The following is an entry in ClinVar:

ClinVar aggregate classification (germline): Uncertain significance (0 of 4 stars; one submission).

Conditions:
IFT172-related disorder. Also called: IFT172-related disorders; IFT172-related condition.

gnomAD v4.1: 3 of 1,597,844 alleles (0.00019%); highest among the groups gnomAD compares: Non-Finnish European, 0.00026%; no homozygotes.

Submission:

PreventionGenetics, part of Exact Sciences
Classification: Uncertain significance for IFT172-related condition. Last evaluated: 2024-06-07. Review status: no assertion criteria provided. Collection method: clinical testing. Allele origin: germline.
Comment: The IFT172 c.197G>A variant is predicted to result in the amino acid substitution p.Ser66Asn. To our knowledge, this variant has not been reported in the literature. This variant is reported in 0.00089% of alleles in individuals of European (Non-Finnish) descent in gnomAD. At this time, the clinical significance of this variant is uncertain due to the absence of conclusive functional and genetic evidence.

NM_015662.3(IFT172):c.197G>A (p.Ser66Asn)

Gene: IFT172 (intraflagellar transport 172; minus strand). Cytogenetic location: 2p23.3.
Variant type: single nucleotide variant.
Coding change: c.197G>A on transcript NM_015662.3 (MANE Select); coding-DNA position 197, G replaced by A.
Protein change: p.Ser66Asn; replaces serine 66 with asparagine.
Molecular consequence: missense variant.
Genome position (GRCh38, 1-based): chr2:27,485,117, C>T on the plus strand (G>A on the coding strand, the complement: IFT172 is on the minus strand). VCF-style: chr2-27485117-C-T. GRCh37 (hg19) VCF-style: chr2-27707984-C-T.
Other names: c.197G>A, p.Ser66Asn (NM_001410739.1); short protein forms S66N.
Identifiers: ClinVar variation 3346161 (VCV003346161.1).